The following is an entry in ClinVar:

ClinVar aggregate classification (germline): Uncertain significance. Review status: criteria provided, multiple submitters, no conflicts (2 of 4 stars). 2 submissions from 2 submitters: Uncertain significance (2). Last evaluated 2024-04-22.

Conditions:
Aortic aneurysm, familial thoracic 7 (AAT7). Also called: AORTIC DISSECTION, FAMILIAL, WITH OR WITHOUT AORTIC ANEURYSM. Identifiers: MedGen C3151077, MONDO:0013418, OMIM 613780.

Allele frequency attached by ClinVar (database versions not stated): gnomAD exomes below 0.00001; gnomAD 0.00001.
gnomAD v4.1: 2 of 1,614,048 alleles (0.00012%); highest among the groups gnomAD compares: Admixed American, 0.0017%; no homozygotes.

Submissions (2):

GeneDx
Classification: Uncertain significance. Last evaluated: 2024-04-22. Review status: criteria provided, single submitter. Criteria: GeneDx Variant Classification Process June 2021. Collection method: clinical testing. Allele origin: germline. Affected: yes.
Comment: Not observed at significant frequency in large population cohorts (gnomAD); In silico analysis indicates that this missense variant does not alter protein structure/function; Has not been previously published as pathogenic or benign to our knowledge

Labcorp Genetics (formerly Invitae), Labcorp
Classification: Uncertain significance for Aortic aneurysm, familial thoracic 7. Last evaluated: 2024-04-22. Review status: criteria provided, single submitter. Criteria: Invitae Variant Classification Sherloc (09022015). Collection method: clinical testing. Allele origin: germline.
Comment: This sequence change replaces isoleucine, which is neutral and non-polar, with threonine, which is neutral and polar, at codon 724 of the MYLK protein (p.Ile724Thr). This variant is not present in population databases (gnomAD no frequency). This variant has not been reported in the literature in individuals affected with MYLK-related conditions. Advanced modeling of protein sequence and biophysical properties (such as structural, functional, and spatial information, amino acid conservation, physicochemical variation, residue mobility, and thermodynamic stability) has been performed at Invitae for this missense variant, however the output from this modeling did not meet the statistical confidence thresholds required to predict the impact of this variant on MYLK protein function. In summary, the available evidence is currently insufficient to determine the role of this variant in disease. Therefore, it has been classified as a Variant of Uncertain Significance.

NM_053025.4(MYLK):c.2171T>C (p.Ile724Thr)

Gene: MYLK (myosin light chain kinase; minus strand). Cytogenetic location: 3q21.1.
Variant type: single nucleotide variant.
Coding change: c.2171T>C on transcript NM_053025.4 (MANE Select); coding-DNA position 2171, T replaced by C.
Protein change: p.Ile724Thr; replaces isoleucine 724 with threonine.
Molecular consequence: missense variant.
Genome position (GRCh38, 1-based): chr3:123,707,973, A>G on the plus strand (T>C on the coding strand, the complement: MYLK is on the minus strand). VCF-style: chr3-123707973-A-G. GRCh37 (hg19) VCF-style: chr3-123426820-A-G.
Other names: c.1643T>C, p.Ile548Thr (NM_001321309.2); c.1964T>C, p.Ile655Thr (NM_053026.4, NM_053028.4); c.2171T>C, p.Ile724Thr (NM_053027.4); c.2171T>C (NM_053025.3); short protein forms I655T, I548T, I724T.
Identifiers: ClinVar variation 3018684 (VCV003018684.4), dbSNP rs2061527311, ClinGen allele CA354234115.
Genomic context (GRCh38, chr3:123,707,973, plus strand): 5'-ATGGCGCAGGAGATGAGGACACTCTGGCCCAGGGAGGCTGTCACTGAGCGAGGCTTACTG[A>G]TGAACCAGGGCTGGGTGCCATCGTGAGGCTCTGGAAATTGGCAAAGGGCAGAGCTAAACA-3'
Protein context (NP_444253.3, residues 714-734): EPHDGTQPWF[Ile724Thr]SKPRSVTASL